The following is an entry in ClinVar:

ClinVar aggregate classification (germline): Pathogenic (1 of 4 stars; one submission).

Conditions:
Duchenne muscular dystrophy (DMD). Also called: Duchenne Muscular Dystrophy (DMD); MUSCULAR DYSTROPHY, PSEUDOHYPERTROPHIC PROGRESSIVE, DUCHENNE TYPE. Identifiers: Orphanet 98896, MedGen C0013264, MONDO:0010679, OMIM 310200.

Submissions (2):

3billion
Classification: Pathogenic for Duchenne muscular dystrophy. Last evaluated: 2023-12-20. Review status: criteria provided, single submitter. Criteria: ACMG Guidelines, 2015. Collection method: clinical testing. Allele origin: germline. Affected: yes.
Comment: The variant is not observed in the gnomAD v2.1.1 dataset. Predicted Consequence/Location: Canonical splice site: predicted to alter splicing and result in a loss or disruption of normal protein function. Multiple pathogenic loss-of-function variants are reported downstream of the variant. In silico tools predict the variant to alter splicing and produce an abnormal transcript [Splice AI: 0.95 (spliceogenicity >=0.2, non-spliceogenicity <0.1)]. The variant has been reported to be associated with DMD related disorder (PMID: 25972034). Therefore, this variant is classified as Pathogenic according to the recommendation of ACMG/AMP guideline.

Dr. Peter K. Rogan Lab, Western University
No classification provided (evidence only). Condition: Thyroid cancer, nonmedullary, 1. Review status: no classification provided. Collection method: in vitro. Allele origin: not applicable. Functional consequence: retained intron. Not counted in ClinVar's aggregate classification.

Literature cited by the submitters: PubMed 25972034 (cited by 3billion).

NM_004006.3(DMD):c.10223+1G>T

Gene: DMD (dystrophin; minus strand). Cytogenetic location: Xp21.2.
Variant type: single nucleotide variant.
Coding change: c.10223+1G>T on transcript NM_004006.3 (MANE Select); the canonical splice donor site of the intron after coding-DNA position 10223, G replaced by T.
Molecular consequence: splice donor variant. On other transcripts: synonymous variant (1).
Genome position (GRCh38, 1-based): chrX:31,178,668, C>A on the plus strand (G>T on the coding strand, the complement: DMD is on the minus strand). VCF-style: chrX-31178668-C-A. GRCh37 (hg19) VCF-style: chrX-31196785-C-A.
Other names: NC_000023.10:g.31196785C>A; c.1020G>T, p.Thr340= (NM_004019.3); c.10199+1G>T (NM_000109.4); c.6200+1G>T (NM_004011.4); c.6191+1G>T (NM_004012.4); c.2843+1G>T (NM_004023.3, NM_004020.4, NM_004022.3 and 2 more transcripts); c.2036+1G>T (NM_004014.3); c.1019+1G>T (NM_004018.3, NM_004017.3, NM_004016.3 and 1 more transcripts); and 2 more.
Identifiers: ClinVar variation 3776203 (VCV003776203.2).